The following is an entry in ClinVar:

NM_014806.5(RUSC2):c.3384C>T (p.His1128=)

Gene: RUSC2 (RUN and SH3 domain containing 2; plus strand). Cytogenetic location: 9p13.3.
Variant type: single nucleotide variant.
Coding change: c.3384C>T on transcript NM_014806.5 (MANE Select); coding-DNA position 3384, C replaced by T.
Protein change: p.His1128=; no amino-acid change (histidine 1128 retained).
Molecular consequence: synonymous variant. On other transcripts: non-coding transcript variant (1).
Genome position (GRCh38, 1-based): chr9:35,559,268, C>T. VCF-style: chr9-35559268-C-T. GRCh37 (hg19) VCF-style: chr9-35559265-C-T.
Other names: c.3384C>T, p.His1128= (NM_001135999.2); c.750C>T, p.His250= (NM_001330740.2).
Identifiers: ClinVar variation 765442 (VCV000765442.45), dbSNP rs200237183, ClinGen allele CA5044140.

ClinVar aggregate classification (germline): Likely benign. Review status: criteria provided, multiple submitters, no conflicts (2 of 4 stars). 4 submissions from 4 submitters: Likely benign (3). 1 of the submissions does not count toward it. Last evaluated 2025-04-08.

Conditions:
RUSC2-related disorder. Also called: RUSC2-related condition.

Allele frequency attached by ClinVar (database versions not stated): gnomAD 0.00004 and 0.00005; TOPMed 0.00006; ExAC 0.00010; gnomAD exomes 0.00012.
gnomAD v4.1: 93 of 1,612,608 alleles (0.0058%); highest among the groups gnomAD compares: African/African-American, 0.0053%; no homozygotes.

Submissions (4):

Labcorp Genetics (formerly Invitae), Labcorp
Classification: Likely benign. Last evaluated: 2025-04-08. Review status: criteria provided, single submitter. Criteria: Invitae Variant Classification Sherloc (09022015). Collection method: clinical testing. Allele origin: germline.

CeGaT Center for Human Genetics Tuebingen
Classification: Likely benign. Last evaluated: 2025-01-01. Review status: criteria provided, single submitter. Criteria: CeGaT Center For Human Genetics Tuebingen Variant Classification Criteria Version 2. Collection method: clinical testing. Allele origin: germline. Affected: yes. Observed: 2 variant alleles.
Comment: RUSC2: BP4, BP7

Blueprint Genetics
Classification: Likely benign. Last evaluated: 2024-03-18. Review status: criteria provided, single submitter. Criteria: ACMG Guidelines, 2015. Collection method: clinical testing. Allele origin: germline.

PreventionGenetics, part of Exact Sciences
Classification: Likely benign for RUSC2-related condition. Last evaluated: 2019-07-11. Review status: no assertion criteria provided. Collection method: clinical testing. Allele origin: germline. Not counted in ClinVar's aggregate classification.
Comment: This variant is classified as likely benign based on ACMG/AMP sequence variant interpretation guidelines (Richards et al. 2015 PMID: 25741868, with internal and published modifications).